The following is an entry in ClinVar:

ClinVar aggregate classification (germline): Uncertain significance (1 of 4 stars; one submission).

Conditions:
Familial thoracic aortic aneurysm and aortic dissection (TAAD). Also called: Thoracic aortic aneurysms and dissections. Identifiers: Orphanet 91387, MedGen C4707243, MONDO:0019625.

Submission:

Ambry Genetics
Classification: Uncertain significance for Familial thoracic aortic aneurysm and aortic dissection. Last evaluated: 2026-04-20. Review status: criteria provided, single submitter. Criteria: Ambry Variant Classification Scheme 2023. Collection method: clinical testing. Allele origin: germline.
Comment: The p.P2579H variant (also known as c.7736C>A), located in coding exon 61 of the FBN2 gene, results from a C to A substitution at nucleotide position 7736. The proline at codon 2579 is replaced by histidine, an amino acid with similar properties. This amino acid position is conserved. In addition, the in silico prediction for this alteration is inconclusive. Based on the available evidence, the clinical significance of this variant remains unclear.

NM_001999.4(FBN2):c.7736C>A (p.Pro2579His)

Gene: FBN2 (fibrillin 2; minus strand). Cytogenetic location: 5q23.3.
Variant type: single nucleotide variant.
Coding change: c.7736C>A on transcript NM_001999.4 (MANE Select); coding-DNA position 7736, C replaced by A.
Protein change: p.Pro2579His; replaces proline 2579 with histidine.
Molecular consequence: missense variant.
Genome position (GRCh38, 1-based): chr5:128,273,944, G>T on the plus strand (C>A on the coding strand, the complement: FBN2 is on the minus strand). VCF-style: chr5-128273944-G-T. GRCh37 (hg19) VCF-style: chr5-127609636-G-T.
Other names: short protein forms P2579H.
Identifiers: ClinVar variation 4871252 (VCV004871252.1).
Genomic context (GRCh38, chr5:128,273,944, plus strand): 5'-CATTCACAGCTGAAACTGCCTGGAGTGTTTTGACAGATTCCCTTTGCTCCACAAAGCGAA[G>T]GTTGAGACCCACATTCGTTGTTGTCTGGCAAAGCATCAAGAAGCAGAGCGTCAAACTTTC-3'
Protein context (NP_001990.2, residues 2569-2589): CIDNNECGSQ[Pro2579His]SLCGAKGICQ